The following is an entry in ClinVar:

ClinVar aggregate classification (germline): Conflicting classifications of pathogenicity. Review status: criteria provided, conflicting classifications (1 of 4 stars). 2 submissions from 2 submitters: Uncertain significance (1); Likely benign (1). Last evaluated 2026-07-28.

Conditions:
Hereditary diffuse gastric adenocarcinoma (HDGC). Also called: DIFFUSE GASTRIC AND LOBULAR BREAST CANCER SYNDROME. Identifiers: Orphanet 26106, MedGen C1708349, MONDO:0007648, OMIM 137215.
Hereditary cancer-predisposing syndrome. Also called: Hereditary Cancer Syndrome; Hereditary neoplastic syndrome; Neoplastic Syndromes, Hereditary; Tumor predisposition. Identifiers: Orphanet 140162, MedGen C0027672, MeSH D009386, MONDO:0015356.

Submissions (2):

Ambry Genetics
Classification: Likely benign for Hereditary cancer-predisposing syndrome. Last evaluated: 2026-07-28. Review status: criteria provided, single submitter. Criteria: Ambry Variant Classification Scheme 2023. Collection method: clinical testing. Allele origin: germline.

Labcorp Genetics (formerly Invitae), Labcorp
Classification: Uncertain significance for Hereditary diffuse gastric adenocarcinoma. Last evaluated: 2024-08-05. Review status: criteria provided, single submitter. Criteria: Invitae Variant Classification Sherloc (09022015). Collection method: clinical testing. Allele origin: germline.
Comment: This sequence change replaces arginine, which is basic and polar, with glycine, which is neutral and non-polar, at codon 63 of the CDH1 protein (p.Arg63Gly). This variant is not present in population databases (gnomAD no frequency). This variant has not been reported in the literature in individuals affected with CDH1-related conditions. ClinVar contains an entry for this variant (Variation ID: 2453337). An algorithm developed to predict the effect of missense changes on protein structure and function (PolyPhen-2) suggests that this variant is likely to be disruptive. In summary, the available evidence is currently insufficient to determine the role of this variant in disease. Therefore, it has been classified as a Variant of Uncertain Significance.

NM_004360.5(CDH1):c.187C>G (p.Arg63Gly)

Gene: CDH1 (cadherin 1; plus strand). Cytogenetic location: 16q22.1.
Variant type: single nucleotide variant.
Coding change: c.187C>G on transcript NM_004360.5 (MANE Select); coding-DNA position 187, C replaced by G.
Protein change: p.Arg63Gly; replaces arginine 63 with glycine.
Molecular consequence: missense variant. On other transcripts: 5 prime UTR variant (2).
Genome position (GRCh38, 1-based): chr16:68,801,693, C>G. VCF-style: chr16-68801693-C-G. GRCh37 (hg19) VCF-style: chr16-68835596-C-G.
Other names: c.187C>G, p.Arg63Gly (NM_001317184.2); c.-1429C>G (NM_001317185.2); c.-1633C>G (NM_001317186.2); short protein forms R63G.
Identifiers: ClinVar variation 2453337 (VCV002453337.6), dbSNP rs587783047, ClinGen allele CA396457123.